The following is an entry in ClinVar:

NM_020163.3(SEMA3G):c.1699G>A (p.Gly567Ser)

Gene: SEMA3G (semaphorin 3G; minus strand). Cytogenetic location: 3p21.1.
Variant type: single nucleotide variant.
Coding change: c.1699G>A on transcript NM_020163.3 (MANE Select); coding-DNA position 1699, G replaced by A.
Protein change: p.Gly567Ser; replaces glycine 567 with serine.
Molecular consequence: missense variant.
Genome position (GRCh38, 1-based): chr3:52,438,010, C>T on the plus strand (G>A on the coding strand, the complement: SEMA3G is on the minus strand). VCF-style: chr3-52438010-C-T. GRCh37 (hg19) VCF-style: chr3-52472026-C-T.
Other names: short protein forms G567S.
Identifiers: ClinVar variation 3357005 (VCV003357005.1).

ClinVar aggregate classification (germline): Uncertain significance (0 of 4 stars; one submission).

Conditions:
SEMA3G-related disorder. Also called: SEMA3G-related condition.

gnomAD v4.1: 10 of 1,612,814 alleles (0.00062%); highest among the groups gnomAD compares: East Asian, 0.0089%; 1 homozygote.

Submission:

PreventionGenetics, part of Exact Sciences
Classification: Uncertain significance for SEMA3G-related condition. Last evaluated: 2023-12-28. Review status: no assertion criteria provided. Collection method: clinical testing. Allele origin: germline.
Comment: The SEMA3G c.1699G>A variant is predicted to result in the amino acid substitution p.Gly567Ser. To our knowledge, this variant has not been reported in the literature. This variant is reported in 0.010% of alleles in individuals of Ashkenazi Jewish descent in gnomAD. At this time, the clinical significance of this variant is uncertain due to the absence of conclusive functional and genetic evidence.